The following is an entry in ClinVar:

NM_024301.5(FKRP):c.1327G>A (p.Glu443Lys)

Gene: FKRP (fukutin related protein; plus strand). Cytogenetic location: 19q13.32.
Variant type: single nucleotide variant.
Coding change: c.1327G>A on transcript NM_024301.5 (MANE Select); coding-DNA position 1327, G replaced by A.
Protein change: p.Glu443Lys; replaces glutamic acid 443 with lysine.
Molecular consequence: missense variant.
Genome position (GRCh38, 1-based): chr19:46,756,777, G>A. VCF-style: chr19-46756777-G-A. GRCh37 (hg19) VCF-style: chr19-47260034-G-A.
Other names: c.1327G>A, p.Glu443Lys (NM_001039885.3); short protein forms E443K.
Identifiers: ClinVar variation 1700573 (VCV001700573.4), dbSNP rs1318972801, ClinGen allele CA406497140.

ClinVar aggregate classification (germline): Likely pathogenic. Review status: criteria provided, single submitter (1 of 4 stars). 2 submissions from 2 submitters: Likely pathogenic (1). 1 of the submissions does not count toward it. Last evaluated 2023-06-11.

Conditions:
Autosomal recessive limb-girdle muscular dystrophy type 2I. Also called: MUSCULAR DYSTROPHY-DYSTROGLYCANOPATHY (LIMB-GIRDLE), TYPE C, 5; MUSCULAR DYSTROPHY-DYSTROGLYCANOPATHY, LIMB-GIRDLE, FRKP-RELATED; MUSCULAR DYSTROPHY, LIMB-GIRDLE, TYPE 2I. Identifiers: Orphanet 34515, MedGen C1846672, MONDO:0011787, OMIM 607155.
Muscular dystrophy-dystroglycanopathy (congenital with brain and eye anomalies), type A5. Also called: MUSCULAR DYSTROPHY-DYSTROGLYCANOPATHY (CONGENITAL WITH BRAIN AND EYE ANOMALIES), TYPE A, 5; WALKER-WARBURG SYNDROME OR MUSCLE-EYE-BRAIN DISEASE, FKRP-RELATED. Identifiers: Orphanet 588, Orphanet 899, MedGen C3150413, MONDO:0013157, OMIM 613153.

Allele frequency attached by ClinVar (database versions not stated): gnomAD exomes below 0.00001.
gnomAD v4.1: 2 of 1,603,054 alleles (0.00012%); highest among the groups gnomAD compares: East Asian, 0.0023%; no homozygotes.

Submissions (2):

Baylor Genetics
Classification: Likely pathogenic for Muscular dystrophy-dystroglycanopathy (congenital with brain and eye anomalies), type A5. Last evaluated: 2023-06-11. Review status: criteria provided, single submitter. Criteria: ACMG Guidelines, 2015. Collection method: clinical testing. Allele origin: unknown.

Department of Medical Genetics, National Institute of Health
Classification: Likely pathogenic for Autosomal recessive limb-girdle muscular dystrophy type 2I. Last evaluated: 2022-08-08. Review status: no assertion criteria provided. Collection method: clinical testing. Allele origin: germline. Inheritance: Autosomal recessive inheritance. Affected: yes. Observed: 1 compound heterozygote. Not counted in ClinVar's aggregate classification.
Comment: Electromyography (EMG) showed a myogenic pattern in muscles of upper and lower limbs. Two variants were detected in exon 4 of the FKRP gene including a new variant never reported in databases: NM_024301.5(FKRP):c.1364C>A; p.Ala455Asp known as pathogenic and NM_024301.5(FKRP):c.1327G>A.